The following is an entry in ClinVar:

NM_001374828.1(ARID1B):c.1265_1282dup (p.Ala427_Ala428insValAlaAlaAlaAlaAla)

Gene: ARID1B (AT-rich interaction domain 1B; plus strand). Cytogenetic location: 6q25.3.
Variant type: Duplication.
Coding change: c.1265_1282dup on transcript NM_001374828.1 (MANE Select); coding-DNA positions 1265 to 1282, 18 bases duplicated (TGGCGGCGGCGGCCGCGG).
Protein change: p.Ala427_Ala428insValAlaAlaAlaAlaAla.
Genome position (GRCh38, 1-based): chr6:156,778,945-156,778,962, TGGCGGCGGCGGCCGCGG duplicated; duplicating any 18 consecutive bases within chr6:156,778,944-156,778,962 gives the same sequence; the c. name uses the placement nearest the transcript's 3' end. VCF-style (leftmost placement, unchanged base first): chr6-156778943-T-TGTGGCGGCGGCGGCCGCG. GRCh37 (hg19) VCF-style: chr6-157100077-T-TGTGGCGGCGGCGGCCGCG.
Other names: c.1265_1282dup, p.Ala427_Ala428insValAlaAlaAlaAlaAla (NM_001438485.1, NM_001438486.1, NM_001438487.1 and 9 more transcripts).
Identifiers: ClinVar variation 4771739 (VCV004771739.1).

ClinVar aggregate classification (germline): Uncertain significance (1 of 4 stars; one submission).

Submission:

Labcorp Genetics (formerly Invitae), Labcorp
Classification: Uncertain significance. Last evaluated: 2025-07-02. Review status: criteria provided, single submitter. Criteria: Invitae Variant Classification Sherloc (09022015). Collection method: clinical testing. Allele origin: germline.
Comment: This variant, c.1016_1033dup, results in the insertion of 6 amino acid(s) of the ARID1B protein (p.Val339_Ala344dup), but otherwise preserves the integrity of the reading frame. The frequency data for this variant in the population databases is considered unreliable, as metrics indicate insufficient coverage at this position in the gnomAD database. This variant has not been reported in the literature in individuals affected with ARID1B-related conditions. In summary, the available evidence is currently insufficient to determine the role of this variant in disease. Therefore, it has been classified as a Variant of Uncertain Significance.